The following is an entry in ClinVar:

NM_015267.4(CUX2):c.4390A>C (p.Asn1464His)

Gene: CUX2 (cut like homeobox 2; plus strand). Cytogenetic location: 12q24.12.
Variant type: single nucleotide variant.
Coding change: c.4390A>C on transcript NM_015267.4 (MANE Select); coding-DNA position 4390, A replaced by C.
Protein change: p.Asn1464His; replaces asparagine 1464 with histidine.
Molecular consequence: missense variant.
Genome position (GRCh38, 1-based): chr12:111,348,254, A>C. VCF-style: chr12-111348254-A-C. GRCh37 (hg19) VCF-style: chr12-111786058-A-C.
Other names: c.4204A>C, p.Asn1402His (NM_001370598.1); short protein forms N1402H, N1464H.
Identifiers: ClinVar variation 1315197 (VCV001315197.2), dbSNP rs1888911344, ClinGen allele CA386723155.
Genomic context (GRCh38, chr12:111,348,254, plus strand): 5'-GCCTTGCACCCCAGTGCCAAGGTGAACCCCAACTTGCAGCGGCGGCATGAGAAGATGGCC[A>C]ATCTGAACAACATCATTTACCGAGTAGAGCGGGCTGCCAATCGGGAGGAGGCCCTGGAGT-3'
Protein context (NP_056082.2, residues 1454-1474): NLQRRHEKMA[Asn1464His]LNNIIYRVER

ClinVar aggregate classification (germline): Uncertain significance (1 of 4 stars; one submission).

Allele frequency attached by ClinVar (database versions not stated): gnomAD exomes below 0.00001; TOPMed 0.00001.

Submission:

GeneDx
Classification: Uncertain significance. Last evaluated: 2020-10-07. Review status: criteria provided, single submitter. Criteria: GeneDx Variant Classification Process June 2021. Collection method: clinical testing. Allele origin: germline. Affected: yes.
Comment: Not observed in large population cohorts (Lek et al., 2016); In silico analysis supports that this missense variant has a deleterious effect on protein structure/function; Has not been previously published as pathogenic or benign to our knowledge